The following is an entry in ClinVar:

NM_025137.4(SPG11):c.4380T>G (p.Val1460=)

Gene: SPG11 (SPG11 vesicle trafficking associated, spatacsin; minus strand). Cytogenetic location: 15q21.1.
Variant type: single nucleotide variant.
Coding change: c.4380T>G on transcript NM_025137.4 (MANE Select); coding-DNA position 4380, T replaced by G.
Protein change: p.Val1460=; no amino-acid change (valine 1460 retained).
Molecular consequence: synonymous variant.
Genome position (GRCh38, 1-based): chr15:44,596,137, A>C on the plus strand (T>G on the coding strand, the complement: SPG11 is on the minus strand). VCF-style: chr15-44596137-A-C. GRCh37 (hg19) VCF-style: chr15-44888335-A-C.
Other names: c.4380T>G, p.Val1460= (NM_001160227.2, NM_001411132.1).
Identifiers: ClinVar variation 3029297 (VCV003029297.2), dbSNP rs2505369136, ClinGen allele CA490329809.

ClinVar aggregate classification (germline): Likely benign (0 of 4 stars; one submission).

Conditions:
SPG11-related disorder. Also called: SPG11-related condition.

Submission:

PreventionGenetics, part of Exact Sciences
Classification: Likely benign for SPG11-related condition. Last evaluated: 2023-12-31. Review status: no assertion criteria provided. Collection method: clinical testing. Allele origin: germline.
Comment: This variant is classified as likely benign based on ACMG/AMP sequence variant interpretation guidelines (Richards et al. 2015 PMID: 25741868, with internal and published modifications).